The following is an entry in ClinVar:

ClinVar aggregate classification (germline): Uncertain significance (1 of 4 stars; one submission).

Conditions:
Catecholaminergic polymorphic ventricular tachycardia 1. Also called: VENTRICULAR TACHYCARDIA, STRESS-INDUCED POLYMORPHIC 1; VENTRICULAR TACHYCARDIA, CATECHOLAMINERGIC POLYMORPHIC, 1, WITH OR WITHOUT ATRIAL DYSFUNCTION AND/OR DILATED CARDIOMYOPATHY; RYR2-Related Catecholaminergic Polymorphic Ventricular Tachycardia. Identifiers: Orphanet 3286, MedGen C1631597, MONDO:0011484, OMIM 604772.

Allele frequency attached by ClinVar (database versions not stated): gnomAD exomes 0.00001.
gnomAD v4.1: 7 of 1,613,932 alleles (0.00043%); highest among the groups gnomAD compares: Non-Finnish European, 0.00059%; no homozygotes.

Submission:

Labcorp Genetics (formerly Invitae), Labcorp
Classification: Uncertain significance for Catecholaminergic polymorphic ventricular tachycardia 1. Last evaluated: 2020-12-19. Review status: criteria provided, single submitter. Criteria: Invitae Variant Classification Sherloc (09022015). Collection method: clinical testing. Allele origin: germline.
Comment: This variant is not present in population databases (ExAC no frequency). This variant has not been reported in the literature in individuals with RYR2-related conditions. Advanced modeling of protein sequence and biophysical properties (such as structural, functional, and spatial information, amino acid conservation, physicochemical variation, residue mobility, and thermodynamic stability) performed at Invitae indicates that this missense variant is not expected to disrupt RYR2 protein function. In summary, the available evidence is currently insufficient to determine the role of this variant in disease. Therefore, it has been classified as a Variant of Uncertain Significance. This sequence change replaces isoleucine with valine at codon 1925 of the RYR2 protein (p.Ile1925Val). The isoleucine residue is highly conserved and there is a small physicochemical difference between isoleucine and valine.

NM_001035.3(RYR2):c.5773A>G (p.Ile1925Val)

Gene: RYR2 (ryanodine receptor 2; plus strand). Cytogenetic location: 1q43.
Variant type: single nucleotide variant.
Coding change: c.5773A>G on transcript NM_001035.3 (MANE Select); coding-DNA position 5773, A replaced by G.
Protein change: p.Ile1925Val; replaces isoleucine 1925 with valine.
Molecular consequence: missense variant.
Genome position (GRCh38, 1-based): chr1:237,617,343, A>G. VCF-style: chr1-237617343-A-G. GRCh37 (hg19) VCF-style: chr1-237780643-A-G.
Other names: short protein forms I1925V.
Identifiers: ClinVar variation 1450932 (VCV001450932.9), dbSNP rs1678588295, ClinGen allele CA345406954.